The following is an entry in ClinVar:

NM_001184.4(ATR):c.3899G>A (p.Arg1300His)

Gene: ATR (ATR checkpoint kinase; minus strand). Cytogenetic location: 3q23.
Variant type: single nucleotide variant.
Coding change: c.3899G>A on transcript NM_001184.4 (MANE Select); coding-DNA position 3899, G replaced by A.
Protein change: p.Arg1300His; replaces arginine 1300 with histidine.
Molecular consequence: missense variant.
Genome position (GRCh38, 1-based): chr3:142,535,126, C>T on the plus strand (G>A on the coding strand, the complement: ATR is on the minus strand). VCF-style: chr3-142535126-C-T. GRCh37 (hg19) VCF-style: chr3-142253968-C-T.
Other names: c.3707G>A, p.Arg1236His (NM_001354579.2); short protein forms R1236H, R1300H.
Identifiers: ClinVar variation 2496602 (VCV002496602.4), dbSNP rs757622477, ClinGen allele CA2649967.

ClinVar aggregate classification (germline): Uncertain significance. Review status: criteria provided, multiple submitters, no conflicts (2 of 4 stars). 2 submissions from 2 submitters: Uncertain significance (2). Last evaluated 2024-05-13.

Conditions:
Inborn genetic diseases. Identifiers: MedGen C0950123, MeSH D030342.

Allele frequency attached by ClinVar (database versions not stated): gnomAD 0.00001; gnomAD exomes 0.00001; ExAC 0.00002; TOPMed 0.00002.
gnomAD v4.1: 19 of 1,612,892 alleles (0.0012%); highest among the groups gnomAD compares: South Asian, 0.0033%; no homozygotes.

Submissions (2):

Labcorp Genetics (formerly Invitae), Labcorp
Classification: Uncertain significance. Last evaluated: 2024-05-13. Review status: criteria provided, single submitter. Criteria: Invitae Variant Classification Sherloc (09022015). Collection method: clinical testing. Allele origin: germline.
Comment: This sequence change replaces arginine, which is basic and polar, with histidine, which is basic and polar, at codon 1300 of the ATR protein (p.Arg1300His). This variant is present in population databases (rs757622477, gnomAD 0.007%). This variant has not been reported in the literature in individuals affected with ATR-related conditions. ClinVar contains an entry for this variant (Variation ID: 2496602). An algorithm developed to predict the effect of missense changes on protein structure and function (PolyPhen-2) suggests that this variant is likely to be disruptive. In summary, the available evidence is currently insufficient to determine the role of this variant in disease. Therefore, it has been classified as a Variant of Uncertain Significance.

Ambry Genetics
Classification: Uncertain significance for Inborn genetic diseases. Last evaluated: 2022-11-06. Review status: criteria provided, single submitter. Criteria: Ambry Variant Classification Scheme 2023. Collection method: clinical testing. Allele origin: germline.
Comment: The p.R1300H variant (also known as c.3899G>A), located in coding exon 21 of the ATR gene, results from a G to A substitution at nucleotide position 3899. The arginine at codon 1300 is replaced by histidine, an amino acid with highly similar properties. This amino acid position is conserved. In addition, the in silico prediction for this alteration is inconclusive. Since supporting evidence is limited at this time, the clinical significance of this alteration remains unclear.